The following is an entry in ClinVar:

ClinVar aggregate classification (germline): Pathogenic (1 of 4 stars; one submission).

Submission:

Labcorp Genetics (formerly Invitae), Labcorp
Classification: Pathogenic. Last evaluated: 2023-06-09. Review status: criteria provided, single submitter. Criteria: Invitae Variant Classification Sherloc (09022015). Collection method: clinical testing. Allele origin: germline.
Comment: This variant has not been reported in the literature in individuals affected with OPHN1-related conditions. For these reasons, this variant has been classified as Pathogenic. This variant is not present in population databases (gnomAD no frequency). This sequence change creates a premature translational stop signal (p.Met300Ilefs*11) in the OPHN1 gene. It is expected to result in an absent or disrupted protein product. Loss-of-function variants in OPHN1 are known to be pathogenic (PMID: 12807966).

Literature cited by the submitters: PubMed 12807966.

NM_002547.3(OPHN1):c.899dup (p.Met300fs)

Gene: OPHN1 (oligophrenin 1; minus strand). Cytogenetic location: Xq12.
Variant type: Duplication.
Coding change: c.899dup on transcript NM_002547.3 (MANE Select); coding-DNA position 899, one base duplicated (T; older notation c.899dupT).
Protein change: p.Met300fs; shifts the reading frame from methionine 300.
Molecular consequence: frameshift variant.
Genome position (GRCh38, 1-based): chrX:68,206,607, A duplicated on the plus strand (T on the coding strand, the reverse complement: OPHN1 is on the minus strand). VCF-style (leftmost placement, unchanged base first): chrX-68206606-C-CA. GRCh37 (hg19) VCF-style: chrX-67426448-C-CA.
Other names: short protein forms M300fs.
Identifiers: ClinVar variation 2700439 (VCV002700439.3), dbSNP rs2519799380, ClinGen allele CA2697553143.